The following is an entry in ClinVar:

NM_201384.3(PLEC):c.8039A>G (p.Asp2680Gly)

Gene: PLEC (plectin; minus strand). Cytogenetic location: 8q24.3.
Variant type: single nucleotide variant.
Coding change: c.8039A>G on transcript NM_201384.3 (MANE Select); coding-DNA position 8039, A replaced by G.
Protein change: p.Asp2680Gly; replaces aspartic acid 2680 with glycine.
Molecular consequence: missense variant.
Genome position (GRCh38, 1-based): chr8:143,921,782, T>C on the plus strand (A>G on the coding strand, the complement: PLEC is on the minus strand). VCF-style: chr8-143921782-T-C. GRCh37 (hg19) VCF-style: chr8-144995950-T-C.
Other names: c.8120A>G, p.Asp2707Gly (NM_000445.5); c.7997A>G, p.Asp2666Gly (NM_201378.4); c.7973A>G, p.Asp2658Gly (NM_201379.3); c.8450A>G, p.Asp2817Gly (NM_201380.4); c.7943A>G, p.Asp2648Gly (NM_201381.3); c.8039A>G, p.Asp2680Gly (NM_201382.4); c.8051A>G, p.Asp2684Gly (NM_201383.3); short protein forms D2648G, D2658G, D2666G, D2680G, D2684G, D2707G, D2817G.
Identifiers: ClinVar variation 1055486 (VCV001055486.5), dbSNP rs2131195937, ClinGen allele CA372520014.

ClinVar aggregate classification (germline): Uncertain significance (1 of 4 stars; one submission).

Conditions:
Epidermolysis bullosa simplex 5B, with muscular dystrophy (EBS5B). Also called: Epidermolysis bullosa simplex with muscular dystrophy; EPIDERMOLYSIS BULLOSA SIMPLEX AND LIMB-GIRDLE MUSCULAR DYSTROPHY. Identifiers: Orphanet 257, MedGen C2931072, MONDO:0009181, OMIM 226670.
Epidermolysis bullosa simplex 5C, with pyloric atresia (EBS5C). Also called: Epidermolysis bullosa simplex with pyloric atresia; PLEC-Related Epidermolysis Bullosa with Pyloric Atresia; PLEC1-Related Epidermolysis Bullosa with Pyloric Atresia. Identifiers: Orphanet 158684, MedGen C2677349, MONDO:0012807, OMIM 612138.
Epidermolysis bullosa simplex, Ogna type (EBS5A). Also called: Pidermolysis bullosa simplex 5A, Ogna type; EPIDERMOLYSIS BULLOSA SIMPLEX 5A, OGNA TYPE. Identifiers: Orphanet 79401, MedGen C0432317, MONDO:0007555, OMIM 131950.
Autosomal recessive limb-girdle muscular dystrophy type 2Q (LGMDR17). Also called: MUSCULAR DYSTROPHY, LIMB-GIRDLE, AUTOSOMAL RECESSIVE 17. Identifiers: Orphanet 254361, MedGen C3150989, MONDO:0013390, OMIM 613723.
Epidermolysis bullosa simplex with nail dystrophy (EBS5D). Identifiers: MedGen C4225309, MONDO:0014661, OMIM 616487.

Submission:

Labcorp Genetics (formerly Invitae), Labcorp
Classification: Uncertain significance for Autosomal recessive limb-girdle muscular dystrophy type 2Q; Epidermolysis bullosa simplex, Ogna type; Epidermolysis bullosa simplex with nail dystrophy; Epidermolysis bullosa simplex 5C, with pyloric atresia; Epidermolysis bullosa simplex 5B, with muscular dystrophy. Last evaluated: 2020-02-06. Review status: criteria provided, single submitter. Criteria: Invitae Variant Classification Sherloc (09022015). Collection method: clinical testing. Allele origin: germline.
Comment: This sequence change replaces aspartic acid with glycine at codon 2707 of the PLEC protein (p.Asp2707Gly). The aspartic acid residue is weakly conserved and there is a moderate physicochemical difference between aspartic acid and glycine. In summary, the available evidence is currently insufficient to determine the role of this variant in disease. Therefore, it has been classified as a Variant of Uncertain Significance. Algorithms developed to predict the effect of missense changes on protein structure and function (SIFT, PolyPhen-2, Align-GVGD) all suggest that this variant is likely to be tolerated, but these predictions have not been confirmed by published functional studies and their clinical significance is uncertain. This variant has not been reported in the literature in individuals with PLEC-related conditions. This variant is not present in population databases (ExAC no frequency).